The following is an entry in ClinVar:

NM_001376.5(DYNC1H1):c.10529C>T (p.Ser3510Leu)

Gene: DYNC1H1 (dynein cytoplasmic 1 heavy chain 1; plus strand). Cytogenetic location: 14q32.31.
Variant type: single nucleotide variant.
Coding change: c.10529C>T on transcript NM_001376.5 (MANE Select); coding-DNA position 10529, C replaced by T.
Protein change: p.Ser3510Leu; replaces serine 3510 with leucine.
Molecular consequence: missense variant.
Genome position (GRCh38, 1-based): chr14:102,034,091, C>T. VCF-style: chr14-102034091-C-T. GRCh37 (hg19) VCF-style: chr14-102500428-C-T.
Other names: short protein forms S3510L.
Identifiers: ClinVar variation 3898977 (VCV003898977.1).

ClinVar aggregate classification (germline): Uncertain significance (1 of 4 stars; one submission).

Submission:

GeneDx
Classification: Uncertain significance. Last evaluated: 2024-11-07. Review status: criteria provided, single submitter. Criteria: GeneDx Variant Classification Process June 2021. Collection method: clinical testing. Allele origin: germline. Affected: yes.
Comment: Not observed at significant frequency in large population cohorts (gnomAD); In silico analysis supports that this missense variant has a deleterious effect on protein structure/function; Has not been previously published as pathogenic or benign to our knowledge; This variant is associated with the following publications: (PMID: 25512093, 25609763, 26100331)